The following is an entry in ClinVar:

ClinVar aggregate classification (germline): Uncertain significance (1 of 4 stars; one submission).

Submission:

GeneDx
Classification: Uncertain significance. Last evaluated: 2025-06-10. Review status: criteria provided, single submitter. Criteria: GeneDx Variant Classification Process June 2021. Collection method: clinical testing. Allele origin: germline. Affected: yes.
Comment: In silico analysis supports that this missense variant has a deleterious effect on protein structure/function; Has not been previously published as pathogenic or benign to our knowledge

NM_000347.5:c.1261G>C

Gene: SPTB (spectrin beta, erythrocytic; minus strand).
Variant type: single nucleotide variant.
Identifiers: ClinVar variation 4538138 (VCV004538138.1).